The following is an entry in ClinVar:

NM_020638.3(FGF23):c.21G>C (p.Arg7Ser)

Gene: FGF23 (fibroblast growth factor 23; minus strand). Cytogenetic location: 12p13.32.
Variant type: single nucleotide variant.
Coding change: c.21G>C on transcript NM_020638.3 (MANE Select); coding-DNA position 21, G replaced by C.
Protein change: p.Arg7Ser; replaces arginine 7 with serine.
Molecular consequence: missense variant.
Genome position (GRCh38, 1-based): chr12:4,379,562, C>G on the plus strand (G>C on the coding strand, the complement: FGF23 is on the minus strand). VCF-style: chr12-4379562-C-G. GRCh37 (hg19) VCF-style: chr12-4488728-C-G.
Other names: short protein forms R7S.
Identifiers: ClinVar variation 2791487 (VCV002791487.3), dbSNP rs1203271476, ClinGen allele CA383418614.

ClinVar aggregate classification (germline): Uncertain significance (1 of 4 stars; one submission).

Allele frequency attached by ClinVar (database versions not stated): gnomAD exomes below 0.00001.
gnomAD v4.1: 2 of 1,607,598 alleles (0.00012%); highest among the groups gnomAD compares: Admixed American, 0.0034%; no homozygotes.

Submission:

Labcorp Genetics (formerly Invitae), Labcorp
Classification: Uncertain significance. Last evaluated: 2023-02-01. Review status: criteria provided, single submitter. Criteria: Invitae Variant Classification Sherloc (09022015). Collection method: clinical testing. Allele origin: germline.
Comment: In summary, the available evidence is currently insufficient to determine the role of this variant in disease. Therefore, it has been classified as a Variant of Uncertain Significance. Algorithms developed to predict the effect of missense changes on protein structure and function (SIFT, PolyPhen-2, Align-GVGD) all suggest that this variant is likely to be tolerated. This variant has not been reported in the literature in individuals affected with FGF23-related conditions. This variant is present in population databases (no rsID available, gnomAD 0.003%). This sequence change replaces arginine, which is basic and polar, with serine, which is neutral and polar, at codon 7 of the FGF23 protein (p.Arg7Ser).